The following is an entry in ClinVar:

NM_177438.3(DICER1):c.4910C>T (p.Ser1637Leu)

Gene: DICER1 (dicer 1, ribonuclease III; minus strand). Cytogenetic location: 14q32.13.
Variant type: single nucleotide variant.
Coding change: c.4910C>T on transcript NM_177438.3 (MANE Select); coding-DNA position 4910, C replaced by T.
Protein change: p.Ser1637Leu; replaces serine 1637 with leucine.
Molecular consequence: missense variant.
Genome position (GRCh38, 1-based): chr14:95,096,010, G>A on the plus strand (C>T on the coding strand, the complement: DICER1 is on the minus strand). VCF-style: chr14-95096010-G-A. GRCh37 (hg19) VCF-style: chr14-95562347-G-A.
Other names: NM_177438.2(DICER1):c.4910C>T; p.Ser1637Leu; c.4910C>T, p.Ser1637Leu (NM_001195573.1, NM_001271282.3, NM_001291628.2 and 1 more transcripts); short protein forms S1637L.
Identifiers: ClinVar variation 242127 (VCV000242127.29), dbSNP rs140875148, ClinGen allele CA7330772.

ClinVar aggregate classification (germline): Benign. Review status: reviewed by expert panel (3 of 4 stars). 10 submissions from 10 submitters: Benign (1). 9 of the submissions do not count toward it. Last evaluated 2022-05-18.

Conditions:
DICER1-related disorder. Also called: DICER1-related condition.
DICER1-related tumor predisposition. Also called: DICER1-related pleuropulmonary blastoma cancer predisposition syndrome; DICER1 syndrome. Identifiers: Orphanet 284343, MedGen C3839822, MONDO:0100216.
Hereditary cancer-predisposing syndrome. Also called: Hereditary Cancer Syndrome; Tumor predisposition; Hereditary neoplastic syndrome; Neoplastic Syndromes, Hereditary. Identifiers: Orphanet 140162, MedGen C0027672, MeSH D009386, MONDO:0015356.

Allele frequency attached by ClinVar (database versions not stated): ESP Exome Variant Server 0.00069; gnomAD 0.00105 and 0.00108; 1000 Genomes Project 0.00120; TOPMed 0.00136; 1000 Genomes Project 30x 0.00156.
gnomAD v4.1: 315 of 1,614,170 alleles (0.02%); highest among the groups gnomAD compares: African/African-American, 0.29%; no homozygotes.

Submissions (10):

ClinGen DICER1 and miRNA-Processing Gene Variant Curation Expert Panel, ClinGen
Classification: Benign for DICER1-related tumor predisposition. Last evaluated: 2022-05-18. Review status: reviewed by expert panel. Criteria: ClinGen DICER1 ACMG Specifications DICER1 v1. Collection method: curation. Allele origin: germline. Inheritance: Autosomal dominant inheritance.
Comment: NM_177438.2(DICER1):c.4910C>T variant in DICER1 is a missense variant predicted to cause substitution of serine by leucine at amino acid 1637 (p.Ser1637Leu). The highest population minor allele frequency in gnomAD v2.1.1 non-cancer is 0.0026 (61/23614 alleles) in African/African-American population, which is higher than the ClinGen DICER1 VCEP threshold (>0.0003) for BS1, and therefore meets this criterion (BS1). This variant has been seen in 40 or more unrelated females without tumors through age 50 in at least one testing laboratory (BS2; Internal lab contributors/GTRs: 61756, 500031). The computational predictor REVEL gives a score of 0.065, which is below the threshold of 0.5, and the splice site predictors MaxEntScan and SpliceAI indicate that the variant has no impact on splicing, evidence that does not predict a damaging effect on DICER1 function (BP4). In summary, this variant meets the criteria to be classified as Benign for DICER1 syndrome based on the ACMG/AMP criteria applied, as specified by the ClinGen DICER1 VCEP: BS1, BS2, BP4 (Bayesian Points: -9; VCEP specifications version 1; 02/11/2022).

Myriad Genetics, Inc.
Classification: Likely benign for DICER1-related tumor predisposition. Last evaluated: 2026-04-14. Review status: criteria provided, single submitter. Criteria: Myriad Autosomal Dominant, Autosomal Recessive and X-Linked Classification Criteria (2023). Collection method: clinical testing. Allele origin: unknown. Not counted in ClinVar's aggregate classification.
Comment: This variant is considered likely benign. This variant has been observed at a population frequency that is significantly greater than expected given the associated disease prevalence and penetrance.

Labcorp Genetics (formerly Invitae), Labcorp
Classification: Benign for DICER1-related tumor predisposition. Last evaluated: 2026-02-03. Review status: criteria provided, single submitter. Criteria: Invitae Variant Classification Sherloc (09022015). Collection method: clinical testing. Allele origin: germline. Not counted in ClinVar's aggregate classification.

Center for Genomic Medicine, Rigshospitalet, Copenhagen University Hospital
Classification: Benign. Last evaluated: 2025-12-29. Review status: criteria provided, single submitter. Criteria: ACMG Guidelines, 2015. Collection method: clinical testing. Allele origin: germline. Not counted in ClinVar's aggregate classification.

Blueprint Genetics
Classification: Likely benign. Last evaluated: 2024-11-07. Review status: criteria provided, single submitter. Criteria: ACMG Guidelines, 2015. Collection method: clinical testing. Allele origin: germline. Not counted in ClinVar's aggregate classification.

Ambry Genetics
Classification: Benign for Hereditary cancer-predisposing syndrome. Last evaluated: 2024-05-01. Review status: criteria provided, single submitter. Criteria: Ambry Variant Classification Scheme 2023. Collection method: clinical testing. Allele origin: germline. Not counted in ClinVar's aggregate classification.

Quest Diagnostics Nichols Institute San Juan Capistrano
Classification: Benign. Last evaluated: 2023-05-22. Review status: criteria provided, single submitter. Criteria: Quest Diagnostics criteria. Collection method: clinical testing. Allele origin: unknown. Not counted in ClinVar's aggregate classification.

Sema4
Classification: Benign for Hereditary cancer-predisposing syndrome. Last evaluated: 2021-01-31. Review status: criteria provided, single submitter. Criteria: Sema4 Curation Guidelines. Collection method: curation. Allele origin: germline. Not counted in ClinVar's aggregate classification.

Illumina Laboratory Services, Illumina
Classification: Benign for Pleuropulmonary blastoma. Last evaluated: 2018-01-12. Review status: criteria provided, single submitter. Criteria: ICSL Variant Classification Criteria 13 December 2019. Collection method: clinical testing. Allele origin: germline. Not counted in ClinVar's aggregate classification.
Comment: This variant was observed in the ICSL laboratory as part of a predisposition screen in an ostensibly healthy population. It had not been previously curated by ICSL or reported in the Human Gene Mutation Database (HGMD: prior to June 1st, 2018), and was therefore a candidate for classification through an automated scoring system. Utilizing variant allele frequency, disease prevalence and penetrance estimates, and inheritance mode, an automated score was calculated to assess if this variant is too frequent to cause the disease. Based on the score and internal cut-off values, a variant classified as benign is not then subjected to further curation. The score for this variant resulted in a classification of benign for this disease.

PreventionGenetics, part of Exact Sciences
Classification: Likely benign for DICER1-related condition. Last evaluated: 2019-08-09. Review status: no assertion criteria provided. Collection method: clinical testing. Allele origin: germline. Not counted in ClinVar's aggregate classification.
Comment: This variant is classified as likely benign based on ACMG/AMP sequence variant interpretation guidelines (Richards et al. 2015 PMID: 25741868, with internal and published modifications).